The following is an entry in ClinVar:

NM_000548.5(TSC2):c.2556G>T (p.Arg852Ser)

Gene: TSC2 (TSC complex subunit 2; plus strand). Cytogenetic location: 16p13.3.
Variant type: single nucleotide variant.
Coding change: c.2556G>T on transcript NM_000548.5 (MANE Select); coding-DNA position 2556, G replaced by T.
Protein change: p.Arg852Ser; replaces arginine 852 with serine.
Molecular consequence: missense variant.
Genome position (GRCh38, 1-based): chr16:2,075,809, G>T. VCF-style: chr16-2075809-G-T. GRCh37 (hg19) VCF-style: chr16-2125810-G-T.
Other names: c.2556G>T, p.Arg852Ser (NM_001077183.3, NM_001114382.3, NM_001363528.2 and 3 more transcripts); c.2445G>T, p.Arg815Ser (NM_001318827.2); c.2409G>T, p.Arg803Ser (NM_001318829.2); c.1956G>T, p.Arg652Ser (NM_001318831.2); c.2589G>T, p.Arg863Ser (NM_001318832.2); short protein forms R652S, R803S, R815S, R852S, R863S.
Identifiers: ClinVar variation 1051297 (VCV001051297.9), dbSNP rs1596364897, ClinGen allele CA394278294.

ClinVar aggregate classification (germline): Uncertain significance (1 of 4 stars; one submission).

Conditions:
Tuberous sclerosis 2 (TSC2). Identifiers: Orphanet 805, MedGen C1860707, MONDO:0013199, OMIM 613254.

Submission:

Labcorp Genetics (formerly Invitae), Labcorp
Classification: Uncertain significance for Tuberous sclerosis 2. Last evaluated: 2020-03-22. Review status: criteria provided, single submitter. Criteria: Invitae Variant Classification Sherloc (09022015). Collection method: clinical testing. Allele origin: germline.
Comment: This sequence change replaces arginine with serine at codon 852 of the TSC2 protein (p.Arg852Ser). The arginine residue is highly conserved and there is a moderate physicochemical difference between arginine and serine. This variant is not present in population databases (ExAC no frequency). This variant has not been reported in the literature in individuals with TSC2-related conditions. Algorithms developed to predict the effect of missense changes on protein structure and function are either unavailable or do not agree on the potential impact of this missense change (SIFT: "Deleterious"; PolyPhen-2: "Benign"; Align-GVGD: "Class C0"). In summary, the available evidence is currently insufficient to determine the role of this variant in disease. Therefore, it has been classified as a Variant of Uncertain Significance.